The following is an entry in ClinVar:

ClinVar aggregate classification (germline): Likely pathogenic (1 of 4 stars; one submission).

Conditions:
Hereditary factor VIII deficiency disease (HEMA). Also called: HEMOPHILIA, CLASSIC; AUTOSOMAL HEMOPHILIA A; Hemophilia A; Hemophilia A, congenital; HEM A; Factor 8 deficiency, congenital. Identifiers: Orphanet 98878, MedGen C0019069, MONDO:0010602, OMIM 306700.

Submission:

Women's Health and Genetics/Laboratory Corporation of America, LabCorp
Classification: Likely pathogenic for Hereditary factor VIII deficiency disease. Last evaluated: 2026-04-07. Review status: criteria provided, single submitter. Criteria: LabCorp Variant Classification Summary - May 2015. Collection method: clinical testing. Allele origin: germline.
Comment: Variant summary: F8 c.578G>A (p.Gly193Glu) results in a non-conservative amino acid change in the encoded protein sequence. Algorithms developed to predict the effect of missense changes on protein structure and function all suggest that this variant is likely to be disruptive. The variant was absent in 183353 control chromosomes (gnomAD). c.578G>A has been observed in individuals affected with Factor VIII Deficiency (Hemophilia A)(e.g. Santacroce_2008, Santagostino_2010, Tang_2010, Spena_2018, Yang_2024). These data indicate that the variant is likely to be associated with disease. To our knowledge, no experimental evidence demonstrating an impact on protein function has been reported. The following publications have been ascertained in the context of this evaluation (PMID: 18217193, 20102490, 20331753, 38312175, 29399993). No submitters have cited clinical-significance assessments for this variant to ClinVar. Based on the evidence outlined above, the variant was classified as likely pathogenic.

Literature cited by the submitters: PubMed 18217193; PubMed 29399993; PubMed 20102490; PubMed 20331753; PubMed 38312175.

NM_000132.4(F8):c.578G>A (p.Gly193Glu)

Gene: F8 (coagulation factor VIII; minus strand). Cytogenetic location: Xq28.
Variant type: single nucleotide variant.
Coding change: c.578G>A on transcript NM_000132.4 (MANE Select); coding-DNA position 578, G replaced by A.
Protein change: p.Gly193Glu; replaces glycine 193 with glutamic acid.
Molecular consequence: missense variant.
Genome position (GRCh38, 1-based): chrX:154,992,959, C>T on the plus strand (G>A on the coding strand, the complement: F8 is on the minus strand). VCF-style: chrX-154992959-C-T. GRCh37 (hg19) VCF-style: chrX-154221234-C-T.
Other names: short protein forms G193E.
Identifiers: ClinVar variation 4848819 (VCV004848819.1).